The following is an entry in ClinVar:

ClinVar aggregate classification (germline): Likely benign. Review status: criteria provided, multiple submitters, no conflicts (2 of 4 stars). 2 submissions from 2 submitters: Likely benign (2). Last evaluated 2026-06-01.

Conditions:
BSCL2-related disorder. Also called: BSCL2-related condition; BSCL2-Related Disorders.
Charcot-Marie-Tooth disease type 2. Also called: Charcot-Marie-Tooth type 2. Identifiers: Orphanet 64746, MedGen C0270914, MONDO:0018993.

Allele frequency attached by ClinVar (database versions not stated): TOPMed below 0.00001.
gnomAD v4.1: 12 of 1,612,746 alleles (0.00074%); highest among the groups gnomAD compares: Non-Finnish European, 0.001%; no homozygotes.

Submissions (2):

PreventionGenetics, part of Exact Sciences
Classification: Likely benign for BSCL2-related condition. Last evaluated: 2026-06-01. Review status: criteria provided, single submitter. Criteria: ACMG Guidelines, 2015. Collection method: clinical testing. Allele origin: germline.
Comment: This variant is classified as likely benign based on ACMG/AMP sequence variant interpretation guidelines (Richards et al. 2015 PMID: 25741868, with internal and published modifications).

Labcorp Genetics (formerly Invitae), Labcorp
Classification: Likely benign for Charcot-Marie-Tooth disease type 2. Last evaluated: 2023-10-03. Review status: criteria provided, single submitter. Criteria: Invitae Variant Classification Sherloc (09022015). Collection method: clinical testing. Allele origin: germline.

NM_001122955.4(BSCL2):c.631-9C>T

Genes: BSCL2 (BSCL2 lipid droplet biogenesis associated, seipin; minus strand), HNRNPUL2-BSCL2 (HNRNPUL2-BSCL2 readthrough (NMD candidate); minus strand). Cytogenetic location: 11q12.3.
Variant type: single nucleotide variant.
Coding change: c.631-9C>T on transcript NM_001122955.4 (MANE Select); 9 bases into the intron before coding-DNA position 631, C replaced by T.
Molecular consequence: intron variant.
Genome position (GRCh38, 1-based): chr11:62,692,806, G>A on the plus strand (C>T on the coding strand, the complement: BSCL2 is on the minus strand). VCF-style: chr11-62692806-G-A. GRCh37 (hg19) VCF-style: chr11-62460278-G-A.
Other names: c.439-9C>T (NM_001130702.2, NM_032667.6); c.631-9C>T (NM_001386028.1, NM_001386027.1, NM_001122955.3).
Identifiers: ClinVar variation 760543 (VCV000760543.11), dbSNP rs1245552202, ClinGen allele CA599559808.